The following is an entry in ClinVar:

ClinVar aggregate classification (germline): Uncertain significance. Review status: criteria provided, multiple submitters, no conflicts (2 of 4 stars). 3 submissions from 3 submitters: Uncertain significance (3). Last evaluated 2025-10-15.

Conditions:
Familial thoracic aortic aneurysm and aortic dissection (TAAD). Also called: Thoracic aortic aneurysms and dissections. Identifiers: Orphanet 91387, MedGen C4707243, MONDO:0019625.
Loeys-Dietz syndrome 2 (LDS2). Also called: TGFBR2-Related Loeys-Dietz Syndrome; Marfan syndrome, type 2 (formerly); AORTIC ANEURYSM, FAMILIAL THORACIC 3; MARFAN SYNDROME, TYPE II; Marfan Syndrome type 2; Marfan like connective tissue disorder. Identifiers: Orphanet 284973, Orphanet 558, MedGen C2674574, MONDO:0012427, OMIM 610168.

Allele frequency attached by ClinVar (database versions not stated): gnomAD exomes below 0.00001; TOPMed below 0.00001; gnomAD 0.00001.
gnomAD v4.1: 7 of 1,614,032 alleles (0.00043%); highest among the groups gnomAD compares: South Asian, 0.0033%; no homozygotes.

Submissions (3):

Labcorp Genetics (formerly Invitae), Labcorp
Classification: Uncertain significance for Familial thoracic aortic aneurysm and aortic dissection. Last evaluated: 2025-10-15. Review status: criteria provided, single submitter. Criteria: Invitae Variant Classification Sherloc (09022015). Collection method: clinical testing. Allele origin: germline.
Comment: This sequence change replaces aspartic acid, which is acidic and polar, with glutamic acid, which is acidic and polar, at codon 545 of the TGFBR2 protein (p.Asp545Glu). This variant is not present in population databases (gnomAD no frequency). This variant has not been reported in the literature in individuals affected with TGFBR2-related conditions. ClinVar contains an entry for this variant (Variation ID: 1402292). Invitae Evidence Modeling of protein sequence and biophysical properties (such as structural, functional, and spatial information, amino acid conservation, physicochemical variation, residue mobility, and thermodynamic stability) indicates that this missense variant is not expected to disrupt TGFBR2 protein function with a negative predictive value of 95%. In summary, the available evidence is currently insufficient to determine the role of this variant in disease. Therefore, it has been classified as a Variant of Uncertain Significance.

Color Diagnostics, LLC DBA Color Health
Classification: Uncertain significance for Familial thoracic aortic aneurysm and aortic dissection. Last evaluated: 2024-03-06. Review status: criteria provided, single submitter. Criteria: ACMG Guidelines, 2015. Collection method: clinical testing. Allele origin: germline.
Comment: This missense variant replaces aspartic acid with glutamic acid at codon 545 of the TGFBR2 protein. Computational prediction suggests that this variant may not impact protein structure and function (internally defined REVEL score threshold <= 0.5, PMID: 27666373). To our knowledge, functional studies have not been reported for this variant. This variant has not been reported in individuals affected with TGFBR2-related disorders in the literature. This variant has not been identified in the general population by the Genome Aggregation Database (gnomAD). The available evidence is insufficient to determine the role of this variant in disease conclusively. Therefore, this variant is classified as a Variant of Uncertain Significance.

All of Us Research Program, National Institutes of Health
Classification: Uncertain significance for Loeys-Dietz syndrome 2. Last evaluated: 2023-11-20. Review status: criteria provided, single submitter. Criteria: ACMG Guidelines, 2015. Collection method: clinical testing. Allele origin: germline. Inheritance: Autosomal dominant inheritance. Observed: 1 variant allele, 1 heterozygote.
Comment: This missense variant replaces aspartic acid with glutamic acid at codon 545 of the TGFBR2 protein. Computational prediction suggests that this variant may not impact protein structure and function (internally defined REVEL score threshold <= 0.5, PMID: 27666373). To our knowledge, functional studies have not been reported for this variant. This variant has not been reported in individuals affected with cardiovascular disorders in the literature. This variant has not been identified in the general population by the Genome Aggregation Database (gnomAD). The available evidence is insufficient to determine the role of this variant in disease conclusively. Therefore, this variant is classified as a Variant of Uncertain Significance.

This study involves interpretation of variants in research participants for the purpose of population health screening. Participant phenotype was not available at the time of variant classification. Additional details can be found in publication PMID: 35346344, PMCID: PMC8962531

NM_003242.6(TGFBR2):c.1635C>G (p.Asp545Glu)

Gene: TGFBR2 (transforming growth factor beta receptor 2; plus strand). Cytogenetic location: 3p24.1.
Variant type: single nucleotide variant.
Coding change: c.1635C>G on transcript NM_003242.6 (MANE Select); coding-DNA position 1635, C replaced by G.
Protein change: p.Asp545Glu; replaces aspartic acid 545 with glutamic acid.
Molecular consequence: missense variant.
Genome position (GRCh38, 1-based): chr3:30,691,530, C>G. VCF-style: chr3-30691530-C-G. GRCh37 (hg19) VCF-style: chr3-30733022-C-G.
Other names: c.1710C>G, p.Asp570Glu (NM_001024847.3); c.1818C>G, p.Asp606Glu (NM_001407126.1); c.1743C>G, p.Asp581Glu (NM_001407127.1); c.1662C>G, p.Asp554Glu (NM_001407128.1); c.1638C>G, p.Asp546Glu (NM_001407129.1); c.1632C>G, p.Asp544Glu (NM_001407130.1); c.1530C>G, p.Asp510Glu (NM_001407132.1, NM_001407133.1, NM_001407134.1 and 2 more transcripts); c.1350C>G, p.Asp450Glu (NM_001407137.1); and 2 more; short protein forms D545E, D570E, D425E, D546E, D554E, D510E, D544E, D581E.
Identifiers: ClinVar variation 1402292 (VCV001402292.10), dbSNP rs1178327690, ClinGen allele CA351809718.